The following is an entry in ClinVar:

NM_000365.6(TPI1):c.744_747del (p.Lys248fs)

Gene: TPI1 (triosephosphate isomerase 1; plus strand). Cytogenetic location: 12p13.31.
Variant type: Deletion.
Coding change: c.744_747del on transcript NM_000365.6 (MANE Select); coding-DNA positions 744 to 747, 4 bases deleted (ACAA; older notation c.744_747delACAA).
Protein change: p.Lys248fs; shifts the reading frame from lysine 248.
Molecular consequence: frameshift variant.
Genome position (GRCh38, 1-based): chr12:6,870,377-6,870,380, ACAA deleted; deleting any 4 consecutive bases within chr12:6,870,374-6,870,380 gives the same sequence; the c. name uses the placement nearest the transcript's 3' end. VCF-style (leftmost placement, unchanged base first): chr12-6870373-CCAAA-C. GRCh37 (hg19) VCF-style: chr12-6979537-CCAAA-C.
Other names: c.855_858del, p.Lys285fs (NM_001159287.1); c.498_501del, p.Lys166fs (NM_001258026.2); short protein forms K166fs, K248fs, K285fs.
Identifiers: ClinVar variation 2018613 (VCV002018613.4), dbSNP rs2542453774, ClinGen allele CA2575062152.

ClinVar aggregate classification (germline): Uncertain significance (1 of 4 stars; one submission).

Submission:

Labcorp Genetics (formerly Invitae), Labcorp
Classification: Uncertain significance. Last evaluated: 2022-07-21. Review status: criteria provided, single submitter. Criteria: Invitae Variant Classification Sherloc (09022015). Collection method: clinical testing. Allele origin: germline.
Comment: This sequence change results in a frameshift in the TPI1 gene (p.Lys248Asnfs*23). While this is not anticipated to result in nonsense mediated decay, it is expected to disrupt the last 2 amino acid(s) of the TPI1 protein and extend the protein by 20 additional amino acid residues. This variant is not present in population databases (gnomAD no frequency). This variant has not been reported in the literature in individuals affected with TPI1-related conditions. Experimental studies and prediction algorithms are not available or were not evaluated, and the functional significance of this variant is currently unknown. In summary, the available evidence is currently insufficient to determine the role of this variant in disease. Therefore, it has been classified as a Variant of Uncertain Significance.